The following is an entry in ClinVar:

ClinVar aggregate classification (germline): Uncertain significance (1 of 4 stars; one submission).

Submission:

Labcorp Genetics (formerly Invitae), Labcorp
Classification: Uncertain significance. Last evaluated: 2024-10-25. Review status: criteria provided, single submitter. Criteria: Invitae Variant Classification Sherloc (09022015). Collection method: clinical testing. Allele origin: germline.
Comment: This sequence change replaces alanine, which is neutral and non-polar, with threonine, which is neutral and polar, at codon 481 of the PPM1D protein (p.Ala481Thr). This variant is not present in population databases (gnomAD no frequency). This variant has not been reported in the literature in individuals affected with PPM1D-related conditions. An algorithm developed to predict the effect of missense changes on protein structure and function outputs the following: PolyPhen-2: "Benign". The threonine amino acid residue is found in multiple mammalian species, which suggests that this missense change does not adversely affect protein function. In summary, the available evidence is currently insufficient to determine the role of this variant in disease. Therefore, it has been classified as a Variant of Uncertain Significance.

NM_003620.4(PPM1D):c.1441G>A (p.Ala481Thr)

Gene: PPM1D (protein phosphatase, Mg2+/Mn2+ dependent 1D; plus strand). Cytogenetic location: 17q23.2.
Variant type: single nucleotide variant.
Coding change: c.1441G>A on transcript NM_003620.4 (MANE Select); coding-DNA position 1441, G replaced by A.
Protein change: p.Ala481Thr; replaces alanine 481 with threonine.
Molecular consequence: missense variant.
Genome position (GRCh38, 1-based): chr17:60,663,175, G>A. VCF-style: chr17-60663175-G-A. GRCh37 (hg19) VCF-style: chr17-58740536-G-A.
Other names: short protein forms A481T.
Identifiers: ClinVar variation 2994788 (VCV002994788.3), dbSNP rs2143732184, ClinGen allele CA400457280.